The following is an entry in ClinVar:

NM_198253.3(TERT):c.1846C>A (p.Leu616Met)

Gene: TERT (telomerase reverse transcriptase; minus strand). Cytogenetic location: 5p15.33.
Variant type: single nucleotide variant.
Coding change: c.1846C>A on transcript NM_198253.3 (MANE Select); coding-DNA position 1846, C replaced by A.
Protein change: p.Leu616Met; replaces leucine 616 with methionine.
Molecular consequence: missense variant. On other transcripts: non-coding transcript variant (2).
Genome position (GRCh38, 1-based): chr5:1,280,262, G>T on the plus strand (C>A on the coding strand, the complement: TERT is on the minus strand). VCF-style: chr5-1280262-G-T. GRCh37 (hg19) VCF-style: chr5-1280377-G-T.
Other names: c.1846C>A, p.Leu616Met (NM_001193376.3, NM_003219.1); short protein forms L616M.
Identifiers: ClinVar variation 2197599 (VCV002197599.4), dbSNP rs780283430, ClinGen allele CA359081773.

ClinVar aggregate classification (germline): Uncertain significance (1 of 4 stars; one submission).

Conditions:
Dyskeratosis congenita, autosomal dominant 2. Identifiers: MedGen C3151443, MONDO:0013521, OMIM 613989.
Idiopathic Pulmonary Fibrosis. Also called: Idiopathic fibrosing alveolitis, chronic form; idiopathic fibrosing alveolitis. Identifiers: Orphanet 2032, MedGen C1800706, MeSH D054990, MONDO:0800504.

Submission:

Labcorp Genetics (formerly Invitae), Labcorp
Classification: Uncertain significance for Dyskeratosis congenita, autosomal dominant 2; Idiopathic Pulmonary Fibrosis. Last evaluated: 2024-12-06. Review status: criteria provided, single submitter. Criteria: Invitae Variant Classification Sherloc (09022015). Collection method: clinical testing. Allele origin: germline.
Comment: This sequence change replaces leucine, which is neutral and non-polar, with methionine, which is neutral and non-polar, at codon 616 of the TERT protein (p.Leu616Met). This variant is not present in population databases (gnomAD no frequency). This variant has not been reported in the literature in individuals affected with TERT-related conditions. ClinVar contains an entry for this variant (Variation ID: 2197599). Invitae Evidence Modeling of protein sequence and biophysical properties (such as structural, functional, and spatial information, amino acid conservation, physicochemical variation, residue mobility, and thermodynamic stability) indicates that this missense variant is not expected to disrupt TERT protein function with a negative predictive value of 95%. In summary, the available evidence is currently insufficient to determine the role of this variant in disease. Therefore, it has been classified as a Variant of Uncertain Significance.